The following is an entry in ClinVar:

NM_000297.4(PKD2):c.1697dup (p.Phe567fs)

Gene: PKD2 (polycystin 2, transient receptor potential cation channel; plus strand). Cytogenetic location: 4q22.1.
Variant type: Duplication.
Coding change: c.1697dup on transcript NM_000297.4 (MANE Select); coding-DNA position 1697, one base duplicated (T; older notation c.1697dupT).
Protein change: p.Phe567fs; shifts the reading frame from phenylalanine 567.
Molecular consequence: frameshift variant. On other transcripts: non-coding transcript variant (1).
Genome position (GRCh38, 1-based): chr4:88,052,139, T duplicated. VCF-style (leftmost placement, unchanged base first): chr4-88052138-G-GT. GRCh37 (hg19) VCF-style: chr4-88973290-G-GT.
Other names: c.1472dup, p.Phe492fs (NM_001440544.1); c.1697dupT (NM_000297.4); short protein forms F492fs, F567fs.
Identifiers: ClinVar variation 4689658 (VCV004689658.1).

ClinVar aggregate classification (germline): Pathogenic (1 of 4 stars; one submission).

Conditions:
Polycystic kidney disease 2 (PKD2). Also called: POLYCYSTIC KIDNEY DISEASE, ADULT, TYPE II; Polycystic Kidney Disease 2, Autosomal Dominant; POLYCYSTIC KIDNEY DISEASE 2 WITH OR WITHOUT POLYCYSTIC LIVER DISEASE. Identifiers: MedGen C2751306, MONDO:0013131, OMIM 613095.

Submission:

Women's Health and Genetics/Laboratory Corporation of America, LabCorp
Classification: Pathogenic for Polycystic kidney disease 2. Last evaluated: 2026-01-05. Review status: criteria provided, single submitter. Criteria: LabCorp Variant Classification Summary - May 2015. Collection method: clinical testing. Allele origin: germline.
Comment: Variant summary: PKD2 c.1697dupT (p.Phe567IlefsX6) results in a premature termination codon, predicted to cause a truncation of the encoded protein or absence of the protein due to nonsense mediated decay, which are commonly known mechanisms for disease. The variant was absent in 251004 control chromosomes. To our knowledge, no occurrence of c.1697dupT in individuals affected with PKD2-related conditions and no experimental evidence demonstrating its impact on protein function have been reported. No submitters have cited clinical-significance assessments for this variant to ClinVar. Based on the evidence outlined above, the variant was classified as pathogenic.